The following is an entry in ClinVar:

ClinVar aggregate classification (germline): Uncertain significance (1 of 4 stars; one submission).

Conditions:
Epidermolysis bullosa simplex 3, localized or generalized intermediate, with BP230 deficiency (EBS3). Also called: Epidermolysis bullosa simplex, autosomal recessive 2; Epidermolysis bullosa simplex due to BP230 deficiency. Identifiers: Orphanet 412181, MedGen C3809470, MONDO:0014180, OMIM 615425.
Hereditary sensory and autonomic neuropathy type 6. Also called: Neuropathy, hereditary sensory and autonomic, type VI; HSAN VI. Identifiers: Orphanet 314381, MedGen C3539003, MONDO:0013839, OMIM 614653.

Submission:

Labcorp Genetics (formerly Invitae), Labcorp
Classification: Uncertain significance for Epidermolysis bullosa simplex 3, localized or generalized intermediate, with BP230 deficiency; Hereditary sensory and autonomic neuropathy type 6. Last evaluated: 2022-03-28. Review status: criteria provided, single submitter. Criteria: Invitae Variant Classification Sherloc (09022015). Collection method: clinical testing. Allele origin: germline.
Comment: In summary, the available evidence is currently insufficient to determine the role of this variant in disease. Therefore, it has been classified as a Variant of Uncertain Significance. Algorithms developed to predict the effect of missense changes on protein structure and function are either unavailable or do not agree on the potential impact of this missense change (SIFT: "Deleterious"; PolyPhen-2: "Possibly Damaging"; Align-GVGD: "Class C0"). This variant has not been reported in the literature in individuals affected with DST-related conditions. This variant is not present in population databases (gnomAD no frequency). This sequence change replaces arginine, which is basic and polar, with glycine, which is neutral and non-polar, at codon 1404 of the DST protein (p.Arg1404Gly).

NM_001723.7(DST):c.4210C>G (p.Arg1404Gly)

Gene: DST (dystonin; minus strand). Cytogenetic location: 6p12.1.
Variant type: single nucleotide variant.
Coding change: c.4210C>G on transcript NM_001723.7 (MANE Plus Clinical); coding-DNA position 4210, C replaced by G.
Protein change: p.Arg1404Gly; replaces arginine 1404 with glycine.
Molecular consequence: missense variant. On other transcripts: intron variant (10).
Genome position (GRCh38, 1-based): chr6:56,619,824, G>C on the plus strand (C>G on the coding strand, the complement: DST is on the minus strand). VCF-style: chr6-56619824-G-C. GRCh37 (hg19) VCF-style: chr6-56484622-G-C.
Other names: c.4830+4706C>G (NM_001144769.5); c.4929+4706C>G (NM_001374722.1, NM_001374736.1); c.4956+4706C>G (NM_001374734.1); c.4416+4706C>G (NM_001144770.2); c.4296+4706C>G (NM_001374730.1, NM_001386100.1, NM_183380.4 and 1 more transcripts); c.3318+4706C>G (NM_015548.5); short protein forms R1404G.
Identifiers: ClinVar variation 2118710 (VCV002118710.4), dbSNP rs770720799, ClinGen allele CA364570185.
Genomic context (GRCh38, chr6:56,619,824, plus strand): 5'-GCTCCAACTTAAGGCATCTGAGTGTATTATTTGTTTCATCTAGTTTATCTTTTAGCAAAC[G>C]AGCCTTTTCCTCAGATGACGTTTTTTCAAGCTGGAGGGCATTAAGTTCATATGTCAGCTC-3'
Protein context (NP_001714.1, residues 1394-1414): LEKTSSEEKA[Arg1404Gly]LLKDKLDETN